The following is an entry in ClinVar:

ClinVar aggregate classification (germline): Likely benign. Review status: criteria provided, multiple submitters, no conflicts (2 of 4 stars). 2 submissions from 2 submitters: Likely benign (2). Last evaluated 2026-01-14.

Conditions:
Birt-Hogg-Dube syndrome. Also called: Birt Hogg Dubé syndrome. Identifiers: Orphanet 122, MedGen C0346010, MONDO:0800444.
Birt-Hogg-Dube syndrome 1 (BHD1). Also called: FIBROFOLLICULOMAS WITH TRICHODISCOMAS AND ACROCHORDONS. Identifiers: Orphanet 122, MedGen CN375946, MONDO:0800445, OMIM 135150.

Allele frequency attached by ClinVar (database versions not stated): gnomAD exomes below 0.00001; TOPMed below 0.00001; gnomAD 0.00001.

Submissions (2):

Labcorp Genetics (formerly Invitae), Labcorp
Classification: Likely benign for Birt-Hogg-Dube syndrome. Last evaluated: 2026-01-14. Review status: criteria provided, single submitter. Criteria: Invitae Variant Classification Sherloc (09022015). Collection method: clinical testing. Allele origin: germline.

Myriad Genetics, Inc.
Classification: Likely benign for Birt-Hogg-Dube syndrome 1. Last evaluated: 2024-10-25. Review status: criteria provided, single submitter. Criteria: Myriad Autosomal Dominant, Autosomal Recessive and X-Linked Classification Criteria (2023). Collection method: clinical testing. Allele origin: unknown.
Comment: This variant is considered likely benign. This variant is intronic and is not expected to impact mRNA splicing.

NM_144997.7(FLCN):c.1433-11C>T

Gene: FLCN (folliculin; minus strand). Cytogenetic location: 17p11.2.
Variant type: single nucleotide variant.
Coding change: c.1433-11C>T on transcript NM_144997.7 (MANE Select); 11 bases into the intron before coding-DNA position 1433, C replaced by T.
Molecular consequence: intron variant.
Genome position (GRCh38, 1-based): chr17:17,215,101, G>A on the plus strand (C>T on the coding strand, the complement: FLCN is on the minus strand). VCF-style: chr17-17215101-G-A. GRCh37 (hg19) VCF-style: chr17-17118415-G-A.
Other names: c.1433-11C>T (NM_001353231.2, NM_001353230.2); c.1487-11C>T (NM_001353229.2).
Identifiers: ClinVar variation 2159926 (VCV002159926.5), dbSNP rs1440866701, ClinGen allele CA625314019.
Genomic context (GRCh38, chr17:17,215,101, plus strand): 5'-GTTCTGGTTGGTCAGAGCCGCTTCAATCTTATTCAGGATGGTGGGGCCCACTGGGGAGAA[G>A]GGCAGGGGCAGAGCAAGGGCAGGCGTTAGCGCGGGGCGGGGGCATCTTCTCACAAAAAGG-3'